The following is an entry in ClinVar:

NM_024685.4(BBS10):c.484G>A (p.Glu162Lys)

Gene: BBS10 (Bardet-Biedl syndrome 10; minus strand). Cytogenetic location: 12q21.2.
Variant type: single nucleotide variant.
Coding change: c.484G>A on transcript NM_024685.4 (MANE Select); coding-DNA position 484, G replaced by A.
Protein change: p.Glu162Lys; replaces glutamic acid 162 with lysine.
Molecular consequence: missense variant.
Genome position (GRCh38, 1-based): chr12:76,347,501, C>T on the plus strand (G>A on the coding strand, the complement: BBS10 is on the minus strand). VCF-style: chr12-76347501-C-T. GRCh37 (hg19) VCF-style: chr12-76741281-C-T.
Other names: short protein forms E162K.
Identifiers: ClinVar variation 4981636 (VCV004981636.1).

ClinVar aggregate classification (germline): Uncertain significance (1 of 4 stars; one submission).

Conditions:
BBS10-related disorder. Also called: BBS10-related condition.

Submission:

PreventionGenetics, part of Exact Sciences
Classification: Uncertain significance for BBS10-related condition. Last evaluated: 2026-05-22. Review status: criteria provided, single submitter. Criteria: ACMG Guidelines, 2015. Collection method: clinical testing. Allele origin: germline.
Comment: The BBS10 c.484G>A variant is predicted to result in the amino acid substitution p.Glu162Lys. To our knowledge, this variant has not been reported in the literature or in a large population database (gnomAD), indicating this variant is rare. At this time, the clinical significance of this variant is uncertain due to the absence of conclusive functional and genetic evidence.